The following is an entry in ClinVar:

NM_000264.5(PTCH1):c.2072C>T (p.Thr691Ile)

Genes: PTCH1 (patched 1; minus strand), LOC100507346 (uncharacterized LOC100507346; plus strand). Cytogenetic location: 9q22.32.
Variant type: single nucleotide variant.
Coding change: c.2072C>T on transcript NM_000264.5 (MANE Select); coding-DNA position 2072, C replaced by T.
Protein change: p.Thr691Ile; replaces threonine 691 with isoleucine.
Molecular consequence: missense variant. On other transcripts: non-coding transcript variant (2).
Genome position (GRCh38, 1-based): chr9:95,468,929, G>A on the plus strand (C>T on the coding strand, the complement: PTCH1 is on the minus strand). VCF-style: chr9-95468929-G-A. GRCh37 (hg19) VCF-style: chr9-98231211-G-A.
Other names: c.1874C>T, p.Thr625Ile (NM_001083602.3); c.2069C>T, p.Thr690Ile (NM_001083603.3); c.1619C>T, p.Thr540Ile (NM_001083604.3, NM_001083605.3, NM_001083606.3 and 1 more transcripts); c.1916C>T, p.Thr639Ile (NM_001354918.2); short protein forms T540I, T625I, T639I, T690I, T691I.
Identifiers: ClinVar variation 1024874 (VCV001024874.9), dbSNP rs1840294159, ClinGen allele CA374115717.

ClinVar aggregate classification (germline): Uncertain significance (1 of 4 stars; one submission).

Conditions:
Gorlin syndrome. Also called: Nevoid Basal Cell Carcinoma Syndrome; Basal cell nevus syndrome. Identifiers: Orphanet 377, MedGen C0004779, MONDO:0007187.

Submission:

Labcorp Genetics (formerly Invitae), Labcorp
Classification: Uncertain significance for Gorlin syndrome. Last evaluated: 2022-11-01. Review status: criteria provided, single submitter. Criteria: Invitae Variant Classification Sherloc (09022015). Collection method: clinical testing. Allele origin: germline.
Comment: This sequence change replaces threonine, which is neutral and polar, with isoleucine, which is neutral and non-polar, at codon 691 of the PTCH1 protein (p.Thr691Ile). This variant is not present in population databases (gnomAD no frequency). In summary, the available evidence is currently insufficient to determine the role of this variant in disease. Therefore, it has been classified as a Variant of Uncertain Significance. Advanced modeling of protein sequence and biophysical properties (such as structural, functional, and spatial information, amino acid conservation, physicochemical variation, residue mobility, and thermodynamic stability) performed at Invitae indicates that this missense variant is not expected to disrupt PTCH1 protein function. ClinVar contains an entry for this variant (Variation ID: 1024874). This variant has not been reported in the literature in individuals affected with PTCH1-related conditions.